The following is an entry in ClinVar:

NM_001572.5(IRF7):c.848-3C>T

Gene: IRF7 (interferon regulatory factor 7; minus strand). Cytogenetic location: 11p15.5.
Variant type: single nucleotide variant.
Coding change: c.848-3C>T on transcript NM_001572.5 (MANE Select); 3 bases into the intron before coding-DNA position 848, C replaced by T.
Molecular consequence: intron variant.
Genome position (GRCh38, 1-based): chr11:613,598, G>A on the plus strand (C>T on the coding strand, the complement: IRF7 is on the minus strand). VCF-style: chr11-613598-G-A. GRCh37 (hg19) VCF-style: chr11-613598-G-A.
Other names: c.476-3C>T (NM_001440446.1); c.758-3C>T (NM_001440445.1); c.845-3C>T (NM_001440442.1); c.761-3C>T (NM_004029.4); c.884-3C>T (NM_001440440.1); c.800-3C>T (NM_001440444.1); c.887-3C>T (NM_004031.4).
Identifiers: ClinVar variation 4740153 (VCV004740153.1).

ClinVar aggregate classification (germline): Uncertain significance (1 of 4 stars; one submission).

Conditions:
Immunodeficiency 39 (IMD39). Identifiers: Orphanet 574918, MedGen C4225358, MONDO:0014597, OMIM 616345.

gnomAD v4.1: 9 of 1,543,908 alleles (0.00058%); highest among the groups gnomAD compares: African/African-American, 0.011%; no homozygotes.

Submission:

Labcorp Genetics (formerly Invitae), Labcorp
Classification: Uncertain significance for Immunodeficiency 39. Last evaluated: 2025-07-01. Review status: criteria provided, single submitter. Criteria: Invitae Variant Classification Sherloc (09022015). Collection method: clinical testing. Allele origin: germline.
Comment: This sequence change falls in intron 6 of the IRF7 gene. It does not directly change the encoded amino acid sequence of the IRF7 protein. It affects a nucleotide within the consensus splice site. This variant is present in population databases (rs753330396, gnomAD 0.02%). This variant has not been reported in the literature in individuals affected with IRF7-related conditions. Variants that disrupt the consensus splice site are a relatively common cause of aberrant splicing (PMID: 17576681, 9536098). Algorithms developed to predict the effect of sequence changes on RNA splicing suggest that this variant may create or strengthen a splice site. In summary, the available evidence is currently insufficient to determine the role of this variant in disease. Therefore, it has been classified as a Variant of Uncertain Significance.

Literature cited by the submitters: PubMed 17576681; PubMed 9536098.